The following is an entry in ClinVar:

ClinVar aggregate classification (germline): Uncertain significance. Review status: criteria provided, multiple submitters, no conflicts (2 of 4 stars). 3 submissions from 3 submitters: Uncertain significance (2). 1 of the submissions does not count toward it. Last evaluated 2024-09-11.

Conditions:
Inborn genetic diseases. Identifiers: MedGen C0950123, MeSH D030342.
Nemaline myopathy 2 (NEM2). Also called: Nemaline myopathy 2, autosomal recessive. Identifiers: MedGen C1850569, MONDO:0009725, OMIM 256030.

Allele frequency attached by ClinVar (database versions not stated): gnomAD 0.00001; TOPMed 0.00001.
gnomAD v4.1: 18 of 1,611,434 alleles (0.0011%); highest among the groups gnomAD compares: Non-Finnish European, 0.0015%; no homozygotes.

Submissions (3):

Ambry Genetics
Classification: Uncertain significance for Inborn genetic diseases. Last evaluated: 2024-09-11. Review status: criteria provided, single submitter. Criteria: Ambry Variant Classification Scheme 2023. Collection method: clinical testing. Allele origin: germline.

Labcorp Genetics (formerly Invitae), Labcorp
Classification: Uncertain significance for Nemaline myopathy 2. Last evaluated: 2021-08-20. Review status: criteria provided, single submitter. Criteria: Invitae Variant Classification Sherloc (09022015). Collection method: clinical testing. Allele origin: germline.
Comment: This sequence change replaces arginine with glutamine at codon 7026 of the NEB protein (p.Arg7026Gln). The arginine residue is moderately conserved and there is a small physicochemical difference between arginine and glutamine. This variant is not present in population databases (ExAC no frequency). This variant has not been reported in the literature in individuals affected with NEB-related conditions. Algorithms developed to predict the effect of missense changes on protein structure and function output the following: SIFT: "Deleterious"; PolyPhen-2: "Not Available"; Align-GVGD: "Class C0". The glutamine amino acid residue is found in multiple mammalian species, which suggests that this missense change does not adversely affect protein function. In summary, the available evidence is currently insufficient to determine the role of this variant in disease. Therefore, it has been classified as a Variant of Uncertain Significance.

Natera, Inc.
Classification: Uncertain significance for Nemaline myopathy type 2. Last evaluated: 2020-06-08. Review status: no assertion criteria provided. Collection method: clinical testing. Allele origin: germline. Not counted in ClinVar's aggregate classification.

NM_001164508.2(NEB):c.21077G>A (p.Arg7026Gln)

Gene: NEB (nebulin; minus strand). Cytogenetic location: 2q23.3.
Variant type: single nucleotide variant.
Coding change: c.21077G>A on transcript NM_001164508.2 (MANE Select); coding-DNA position 21077, G replaced by A.
Protein change: p.Arg7026Gln; replaces arginine 7026 with glutamine.
Molecular consequence: missense variant.
Genome position (GRCh38, 1-based): chr2:151,537,897, C>T on the plus strand (G>A on the coding strand, the complement: NEB is on the minus strand). VCF-style: chr2-151537897-C-T. GRCh37 (hg19) VCF-style: chr2-152394411-C-T.
Other names: c.21077G>A, p.Arg7026Gln (NM_001164507.2, NM_001271208.2); c.15974G>A, p.Arg5325Gln (NM_004543.5); c.15974G>A (NM_004543.4); short protein forms R5325Q, R7026Q.
Identifiers: ClinVar variation 1025936 (VCV001025936.11), dbSNP rs1487630736, ClinGen allele CA348775753.